The following is an entry in ClinVar:

NM_015107.3(PHF8):c.1379T>A (p.Ile460Asn)

Gene: PHF8 (PHD finger protein 8; minus strand). Cytogenetic location: Xp11.22.
Variant type: single nucleotide variant.
Coding change: c.1379T>A on transcript NM_015107.3 (MANE Select); coding-DNA position 1379, T replaced by A.
Protein change: p.Ile460Asn; replaces isoleucine 460 with asparagine.
Molecular consequence: missense variant. On other transcripts: intron variant (1).
Genome position (GRCh38, 1-based): chrX:53,993,848, A>T on the plus strand (T>A on the coding strand, the complement: PHF8 is on the minus strand). VCF-style: chrX-53993848-A-T. GRCh37 (hg19) VCF-style: chrX-54020281-A-T.
Other names: c.1487T>A, p.Ile496Asn (NM_001184896.1); c.1379T>A, p.Ile460Asn (NM_001184898.2); c.1324-1009T>A (NM_001184897.2); short protein forms I460N, I496N.
Identifiers: ClinVar variation 1307092 (VCV001307092.15), dbSNP rs782396701, ClinGen allele CA10423483.

ClinVar aggregate classification (germline): Conflicting classifications of pathogenicity. Review status: criteria provided, conflicting classifications (1 of 4 stars). 2 submissions from 2 submitters: Uncertain significance (1); Likely benign (1). Last evaluated 2025-05-01.

Allele frequency attached by ClinVar (database versions not stated): ExAC 0.00001; gnomAD 0.00001; gnomAD exomes 0.00001; TOPMed 0.00001.
gnomAD v4.1: 13 of 1,207,044 alleles (0.0011%); highest among the groups gnomAD compares: Middle Eastern, 0.023%; no homozygotes.

Submissions (2):

CeGaT Center for Human Genetics Tuebingen
Classification: Likely benign. Last evaluated: 2025-05-01. Review status: criteria provided, single submitter. Criteria: CeGaT Center For Human Genetics Tuebingen Variant Classification Criteria Version 2. Collection method: clinical testing. Allele origin: germline. Affected: yes. Observed: 2 variant alleles.
Comment: PHF8: BS2

GeneDx
Classification: Uncertain significance. Last evaluated: 2019-07-17. Review status: criteria provided, single submitter. Criteria: GeneDx Variant Classification Process June 2021. Collection method: clinical testing. Allele origin: germline. Affected: yes.
Comment: Not observed in large population cohorts (Lek et al., 2016); In silico analysis, which includes protein predictors and evolutionary conservation, supports that this variant does not alter protein structure/function; Has not been previously published as pathogenic or benign to our knowledge